The following is an entry in ClinVar:

NM_001256071.3(RNF213):c.15034A>C (p.Ser5012Arg)

Genes: RNF213 (ring finger protein 213; plus strand), RNF213-AS1 (RNF213 antisense RNA 1; minus strand). Cytogenetic location: 17q25.3.
Variant type: single nucleotide variant.
Coding change: c.15034A>C on transcript NM_001256071.3 (MANE Select); coding-DNA position 15034, A replaced by C.
Protein change: p.Ser5012Arg; replaces serine 5012 with arginine.
Molecular consequence: missense variant.
Genome position (GRCh38, 1-based): chr17:80,389,206, A>C. VCF-style: chr17-80389206-A-C. GRCh37 (hg19) VCF-style: chr17-78363006-A-C.
Other names: c.15181A>C, p.Ser5061Arg (NM_001410195.1, NM_020914.5); short protein forms S5012R, S5061R.
Identifiers: ClinVar variation 3358733 (VCV003358733.1).

ClinVar aggregate classification (germline): Uncertain significance (0 of 4 stars; one submission).

Conditions:
RNF213-related disorder. Also called: RNF213-related condition.

gnomAD v4.1: 5 of 1,614,158 alleles (0.00031%); highest among the groups gnomAD compares: East Asian, 0.011%; no homozygotes.

Submission:

PreventionGenetics, part of Exact Sciences
Classification: Uncertain significance for RNF213-related condition. Last evaluated: 2024-06-19. Review status: no assertion criteria provided. Collection method: clinical testing. Allele origin: germline.
Comment: The RNF213 c.15034A>C variant is predicted to result in the amino acid substitution p.Ser5012Arg. To our knowledge, this variant has not been reported in the literature. This variant is reported in 0.0054% of alleles in individuals of East Asian descent in gnomAD. At this time, the clinical significance of this variant is uncertain due to the absence of conclusive functional and genetic evidence.